The following is an entry in ClinVar:

NM_024105.4(ALG12):c.216G>T (p.Val72=)

Gene: ALG12 (ALG12 alpha-1,6-mannosyltransferase; minus strand). Cytogenetic location: 22q13.33.
Variant type: single nucleotide variant.
Coding change: c.216G>T on transcript NM_024105.4 (MANE Select); coding-DNA position 216, G replaced by T.
Protein change: p.Val72=; no amino-acid change (valine 72 retained).
Molecular consequence: synonymous variant.
Genome position (GRCh38, 1-based): chr22:49,913,464, C>A on the plus strand (G>T on the coding strand, the complement: ALG12 is on the minus strand). VCF-style: chr22-49913464-C-A. GRCh37 (hg19) VCF-style: chr22-50307112-C-A.
Identifiers: ClinVar variation 2653352 (VCV002653352.24), dbSNP rs528542616, ClinGen allele CA10300697.
Genomic context (GRCh38, chr22:49,913,464, plus strand): 5'-CTTGGACATTTCTAACAGCGAAAGCACGTAAACCGCGGGGCTGGAGAACACTGCGATCAC[C>A]ACTGGCCCGAGGAACGTCCTGGGGACGACTCCGGGGAACTCAAGATGGTCGTACTGCGAG-3'
Protein context (NP_077010.1, residues 62-82): GVVPRTFLGP[Val72=]VIAVFSSPAV

ClinVar aggregate classification (germline): Likely benign (1 of 4 stars; one submission).

Allele frequency attached by ClinVar (database versions not stated): gnomAD 0.00002; ExAC 0.00004; gnomAD exomes 0.00004; 1000 Genomes Project 30x 0.00016; 1000 Genomes Project 0.00020.
gnomAD v4.1: 28 of 1,614,024 alleles (0.0017%); highest among the groups gnomAD compares: South Asian, 0.031%; 1 homozygote.

Submission:

CeGaT Center for Human Genetics Tuebingen
Classification: Likely benign. Last evaluated: 2023-05-01. Review status: criteria provided, single submitter. Criteria: CeGaT Center For Human Genetics Tuebingen Variant Classification Criteria Version 2. Collection method: clinical testing. Allele origin: germline. Affected: yes. Observed: 1 variant allele.
Comment: ALG12: BP4, BP7